The following is an entry in ClinVar:

NM_198253.3(TERT):c.730C>T (p.Pro244Ser)

Gene: TERT (telomerase reverse transcriptase; minus strand). Cytogenetic location: 5p15.33.
Variant type: single nucleotide variant.
Coding change: c.730C>T on transcript NM_198253.3 (MANE Select); coding-DNA position 730, C replaced by T.
Protein change: p.Pro244Ser; replaces proline 244 with serine.
Molecular consequence: missense variant. On other transcripts: non-coding transcript variant (2).
Genome position (GRCh38, 1-based): chr5:1,294,156, G>A on the plus strand (C>T on the coding strand, the complement: TERT is on the minus strand). VCF-style: chr5-1294156-G-A. GRCh37 (hg19) VCF-style: chr5-1294271-G-A.
Other names: c.730C>T, p.Pro244Ser (NM_001193376.3); short protein forms P244S.
Identifiers: ClinVar variation 3805763 (VCV003805763.1).

ClinVar aggregate classification (germline): Uncertain significance (1 of 4 stars; one submission).

Conditions:
Dyskeratosis congenita. Identifiers: Orphanet 1775, MedGen C0265965, MONDO:0015780.

gnomAD v4.1: 1 of 1,581,712 alleles (0.000063%); no homozygotes.

Submission:

Ambry Genetics
Classification: Uncertain significance for Dyskeratosis congenita. Last evaluated: 2025-01-06. Review status: criteria provided, single submitter. Criteria: Ambry Variant Classification Scheme 2023. Collection method: clinical testing. Allele origin: germline.
Comment: The p.P244S variant (also known as c.730C>T), located in coding exon 2 of the TERT gene, results from a C to T substitution at nucleotide position 730. The proline at codon 244 is replaced by serine, an amino acid with similar properties. This amino acid position is conserved. In addition, this alteration is predicted to be tolerated by in silico analysis. Based on the available evidence, the clinical significance of this variant remains unclear.